The following is an entry in ClinVar:

ClinVar aggregate classification (germline): Uncertain significance (1 of 4 stars; one submission).

Conditions:
Weaver syndrome (WVS). Also called: Weaver Smith syndrome; Overgrowth syndrome with accelerated skeletal maturation, unusual facies, and camptodactyly. Identifiers: Orphanet 3447, MedGen C0265210, MONDO:0010193, OMIM 277590.

Allele frequency attached by ClinVar (database versions not stated): gnomAD exomes 0.00001; TOPMed 0.00001; ExAC 0.00002; gnomAD 0.00002.
gnomAD v4.1: 7 of 1,612,660 alleles (0.00043%); highest among the groups gnomAD compares: Non-Finnish European, 0.00059%; no homozygotes.

Submission:

Labcorp Genetics (formerly Invitae), Labcorp
Classification: Uncertain significance for Weaver syndrome. Last evaluated: 2024-12-12. Review status: criteria provided, single submitter. Criteria: Invitae Variant Classification Sherloc (09022015). Collection method: clinical testing. Allele origin: germline.
Comment: This sequence change replaces glutamine, which is neutral and polar, with glutamic acid, which is acidic and polar, at codon 420 of the EZH2 protein (p.Gln420Glu). This variant is present in population databases (rs775295296, gnomAD 0.002%). This variant has not been reported in the literature in individuals affected with EZH2-related conditions. ClinVar contains an entry for this variant (Variation ID: 2971157). Invitae Evidence Modeling of protein sequence and biophysical properties (such as structural, functional, and spatial information, amino acid conservation, physicochemical variation, residue mobility, and thermodynamic stability) indicates that this missense variant is not expected to disrupt EZH2 protein function with a negative predictive value of 80%. In summary, the available evidence is currently insufficient to determine the role of this variant in disease. Therefore, it has been classified as a Variant of Uncertain Significance.

NM_004456.5(EZH2):c.1258C>G (p.Gln420Glu)

Gene: EZH2 (enhancer of zeste 2 polycomb repressive complex 2 subunit; minus strand). Cytogenetic location: 7q36.1.
Variant type: single nucleotide variant.
Coding change: c.1258C>G on transcript NM_004456.5 (MANE Select); coding-DNA position 1258, C replaced by G.
Protein change: p.Gln420Glu; replaces glutamine 420 with glutamic acid.
Molecular consequence: missense variant.
Genome position (GRCh38, 1-based): chr7:148,817,374, G>C on the plus strand (C>G on the coding strand, the complement: EZH2 is on the minus strand). VCF-style: chr7-148817374-G-C. GRCh37 (hg19) VCF-style: chr7-148514466-G-C.
Other names: c.1243C>G, p.Gln415Glu (NM_001203247.2); c.1216C>G, p.Gln406Glu (NM_001203248.2, NM_001203249.2); c.1126C>G, p.Gln376Glu (NM_152998.3); short protein forms Q406E, Q420E, Q415E, Q376E.
Identifiers: ClinVar variation 2971157 (VCV002971157.3), dbSNP rs775295296, ClinGen allele CA4547909.
Genomic context (GRCh38, chr7:148,817,374, plus strand): 5'-CACCACTCCACTCCACATTCTCAGGAGGTTCAATATTTGGCTTCATCTTTATTGGTGTTT[G>C]ACACCGAGAATTTGCTTCTACAAAACCAAATGTAAGCACTGGTCAAGAAATGATTGGAAA-3'
Protein context (NP_004447.2, residues 410-430): SSSSEANSRC[Gln420Glu]TPIKMKPNIE